The following is an entry in ClinVar:

ClinVar aggregate classification (germline): Uncertain significance. Review status: criteria provided, multiple submitters, no conflicts (2 of 4 stars). 2 submissions from 2 submitters: Uncertain significance (2). Last evaluated 2024-04-24.

gnomAD v4.1: 10 of 1,613,306 alleles (0.00062%); highest among the groups gnomAD compares: African/African-American, 0.0013%; no homozygotes.

Submissions (2):

GeneDx
Classification: Uncertain significance. Last evaluated: 2024-04-24. Review status: criteria provided, single submitter. Criteria: GeneDx Variant Classification Process June 2021. Collection method: clinical testing. Allele origin: germline. Affected: yes.
Comment: Not observed at significant frequency in large population cohorts (gnomAD); In silico analysis indicates that this missense variant does not alter protein structure/function; Not located in the triple helical region, where the majority of pathogenic missense variants occur (HGMD); Has not been previously published as pathogenic or benign to our knowledge

Labcorp Genetics (formerly Invitae), Labcorp
Classification: Uncertain significance. Last evaluated: 2021-05-12. Review status: criteria provided, single submitter. Criteria: Invitae Variant Classification Sherloc (09022015). Collection method: clinical testing. Allele origin: germline.
Comment: In summary, the available evidence is currently insufficient to determine the role of this variant in disease. Therefore, it has been classified as a Variant of Uncertain Significance. Algorithms developed to predict the effect of missense changes on protein structure and function are either unavailable or do not agree on the potential impact of this missense change (SIFT: "Deleterious"; PolyPhen-2: "Probably Damaging"; Align-GVGD: "Class C0"). This variant has not been reported in the literature in individuals with COL11A1-related conditions. This variant is present in population databases (rs371490794, ExAC 0.003%). This sequence change replaces serine with arginine at codon 415 of the COL11A1 protein (p.Ser415Arg). The serine residue is moderately conserved and there is a moderate physicochemical difference between serine and arginine.

NM_001854.4(COL11A1):c.1245C>A (p.Ser415Arg)

Gene: COL11A1 (collagen type XI alpha 1 chain; minus strand). Cytogenetic location: 1p21.1.
Variant type: single nucleotide variant.
Coding change: c.1245C>A on transcript NM_001854.4 (MANE Select); coding-DNA position 1245, C replaced by A.
Protein change: p.Ser415Arg; replaces serine 415 with arginine.
Molecular consequence: missense variant. On other transcripts: non-coding transcript variant (1), intron variant (1).
Genome position (GRCh38, 1-based): chr1:103,022,742, G>T on the plus strand (C>A on the coding strand, the complement: COL11A1 is on the minus strand). VCF-style: chr1-103022742-G-T. GRCh37 (hg19) VCF-style: chr1-103488298-G-T.
Other names: c.1128C>A, p.Ser376Arg (NM_001190709.2); c.1281C>A, p.Ser427Arg (NM_080629.3); c.898-973C>A (NM_080630.4); short protein forms S376R, S415R, S427R.
Identifiers: ClinVar variation 1312489 (VCV001312489.10), dbSNP rs371490794, ClinGen allele CA975088.